The following is an entry in ClinVar:

ClinVar aggregate classification (germline): Uncertain significance (1 of 4 stars; one submission).

gnomAD v4.1: 1 of 1,614,004 alleles (0.000062%); highest among the groups gnomAD compares: African/African-American, 0.0013%; no homozygotes.

Submission:

Labcorp Genetics (formerly Invitae), Labcorp
Classification: Uncertain significance. Last evaluated: 2025-03-13. Review status: criteria provided, single submitter. Criteria: Invitae Variant Classification Sherloc (09022015). Collection method: clinical testing. Allele origin: germline.
Comment: This sequence change replaces proline, which is neutral and non-polar, with serine, which is neutral and polar, at codon 409 of the FBLN5 protein (p.Pro409Ser). This variant is present in population databases (no rsID available, gnomAD 0.007%). This variant has not been reported in the literature in individuals affected with FBLN5-related conditions. Invitae Evidence Modeling of protein sequence and biophysical properties (such as structural, functional, and spatial information, amino acid conservation, physicochemical variation, residue mobility, and thermodynamic stability) indicates that this missense variant is not expected to disrupt FBLN5 protein function with a negative predictive value of 80%. In summary, the available evidence is currently insufficient to determine the role of this variant in disease. Therefore, it has been classified as a Variant of Uncertain Significance.

NM_006329.4(FBLN5):c.1225C>T (p.Pro409Ser)

Gene: FBLN5 (fibulin 5; minus strand). Cytogenetic location: 14q32.12.
Variant type: single nucleotide variant.
Coding change: c.1225C>T on transcript NM_006329.4 (MANE Select); coding-DNA position 1225, C replaced by T.
Protein change: p.Pro409Ser; replaces proline 409 with serine.
Molecular consequence: missense variant. On other transcripts: 3 prime UTR variant (2).
Genome position (GRCh38, 1-based): chr14:91,870,346, G>A on the plus strand (C>T on the coding strand, the complement: FBLN5 is on the minus strand). VCF-style: chr14-91870346-G-A. GRCh37 (hg19) VCF-style: chr14-92336690-G-A.
Other names: c.1348C>T, p.Pro450Ser (NM_001384158.1); c.1276C>T, p.Pro426Ser (NM_001384159.1); c.*9C>T (NM_001384160.1, NM_001384161.1); c.1057C>T, p.Pro353Ser (NM_001384162.1); short protein forms P353S, P409S, P426S, P450S.
Identifiers: ClinVar variation 4763611 (VCV004763611.1).